The following is an entry in ClinVar:

ClinVar aggregate classification (germline): Uncertain significance (1 of 4 stars; one submission).

Allele frequency attached by ClinVar (database versions not stated): gnomAD exomes below 0.00001.
gnomAD v4.1: 2 of 1,614,010 alleles (0.00012%); highest among the groups gnomAD compares: Non-Finnish European, 0.00017%; no homozygotes.

Submission:

Labcorp Genetics (formerly Invitae), Labcorp
Classification: Uncertain significance. Last evaluated: 2024-10-21. Review status: criteria provided, single submitter. Criteria: Invitae Variant Classification Sherloc (09022015). Collection method: clinical testing. Allele origin: germline.
Comment: This sequence change replaces lysine, which is basic and polar, with arginine, which is basic and polar, at codon 186 of the MBD4 protein (p.Lys186Arg). This variant is present in population databases (no rsID available, gnomAD 0.0009%). This variant has not been reported in the literature in individuals affected with MBD4-related conditions. An algorithm developed to predict the effect of missense changes on protein structure and function (PolyPhen-2) suggests that this variant is likely to be tolerated. In summary, the available evidence is currently insufficient to determine the role of this variant in disease. Therefore, it has been classified as a Variant of Uncertain Significance.

NM_001276270.2(MBD4):c.557A>G (p.Lys186Arg)

Gene: MBD4 (methyl-CpG binding domain 4, DNA glycosylase; minus strand). Cytogenetic location: 3q21.3.
Variant type: single nucleotide variant.
Coding change: c.557A>G on transcript NM_001276270.2 (MANE Select); coding-DNA position 557, A replaced by G.
Protein change: p.Lys186Arg; replaces lysine 186 with arginine.
Molecular consequence: missense variant. On other transcripts: intron variant (1).
Genome position (GRCh38, 1-based): chr3:129,437,087, T>C on the plus strand (A>G on the coding strand, the complement: MBD4 is on the minus strand). VCF-style: chr3-129437087-T-C. GRCh37 (hg19) VCF-style: chr3-129155930-T-C.
Other names: c.557A>G, p.Lys186Arg (NM_001276271.2, NM_001276272.2, NM_003925.3); c.247+721A>G (NM_001276273.2); short protein forms K186R.
Identifiers: ClinVar variation 2772961 (VCV002772961.3), dbSNP rs1354587052, ClinGen allele CA354467766.